The following is an entry in ClinVar:

ClinVar aggregate classification (germline): Uncertain significance (1 of 4 stars; one submission).

Conditions:
Cardiovascular phenotype. Identifiers: MedGen CN230736.

Submission:

Ambry Genetics
Classification: Uncertain significance for Cardiovascular phenotype. Last evaluated: 2021-07-04. Review status: criteria provided, single submitter. Criteria: Ambry Variant Classification Scheme 2023. Collection method: clinical testing. Allele origin: germline.
Comment: The p.V831G variant (also known as c.2492T>G), located in coding exon 16 of the FLNC gene, results from a T to G substitution at nucleotide position 2492. The valine at codon 831 is replaced by glycine, an amino acid with dissimilar properties. This amino acid position is highly conserved in available vertebrate species. In addition, this alteration is predicted to be deleterious by in silico analysis. Since supporting evidence is limited at this time, the clinical significance of this alteration remains unclear.

NM_001458.5(FLNC):c.2492T>G (p.Val831Gly)

Gene: FLNC (filamin C; plus strand). Cytogenetic location: 7q32.1.
Variant type: single nucleotide variant.
Coding change: c.2492T>G on transcript NM_001458.5 (MANE Select); coding-DNA position 2492, T replaced by G.
Protein change: p.Val831Gly; replaces valine 831 with glycine.
Molecular consequence: missense variant.
Genome position (GRCh38, 1-based): chr7:128,842,896, T>G. VCF-style: chr7-128842896-T-G. GRCh37 (hg19) VCF-style: chr7-128482950-T-G.
Other names: c.2492T>G, p.Val831Gly (NM_001127487.2); short protein forms V831G.
Identifiers: ClinVar variation 1792092 (VCV001792092.2), dbSNP rs2536632236, ClinGen allele CA369191784.
Genomic context (GRCh38, chr7:128,842,896, plus strand): 5'-GCCCTGCAGAGGCTGACATTGACTTCGACATCATCAAGAATGACAACGACACCTTCACCG[T>G]CAAGTACACGCCACCAGGGGCGGGCCGCTACACCATCATGGTGCTGTTTGCCAACCAGGT-3'
Protein context (NP_001449.3, residues 821-841): IIKNDNDTFT[Val831Gly]KYTPPGAGRY